The following is an entry in ClinVar:

ClinVar aggregate classification (germline): Uncertain significance (1 of 4 stars; one submission).

gnomAD v4.1: 1 of 1,249,648 alleles (0.00008%); highest among the groups gnomAD compares: Non-Finnish European, 0.0001%; no homozygotes.

Submission:

CeGaT Center for Human Genetics Tuebingen
Classification: Uncertain significance. Last evaluated: 2024-11-01. Review status: criteria provided, single submitter. Criteria: CeGaT Center For Human Genetics Tuebingen Variant Classification Criteria Version 2. Collection method: clinical testing. Allele origin: germline. Affected: yes. Observed: 1 variant allele.
Comment: LRRK1: PM2, BP4

NM_024652.6(LRRK1):c.257A>G (p.Glu86Gly)

Gene: LRRK1 (leucine rich repeat kinase 1; plus strand). Cytogenetic location: 15q26.3.
Variant type: single nucleotide variant.
Coding change: c.257A>G on transcript NM_024652.6 (MANE Select); coding-DNA position 257, A replaced by G.
Protein change: p.Glu86Gly; replaces glutamic acid 86 with glycine.
Molecular consequence: missense variant.
Genome position (GRCh38, 1-based): chr15:100,973,963, A>G. VCF-style: chr15-100973963-A-G. GRCh37 (hg19) VCF-style: chr15-101514168-A-G.
Other names: short protein forms E86G.
Identifiers: ClinVar variation 3390039 (VCV003390039.14).
Genomic context (GRCh38, chr15:100,973,963, plus strand): 5'-ACCGCGGCGGCGCCCGGGACCTGCTGGAGGAGGCCTGCGACCAGTGCGCGTCCCAGCTGG[A>G]AAAGGTAGGGGAGCGCCTGCCCCTGCGGCCACCCATGCAGCCCCGGGCTGGACGAAGGGG-3'
Protein context (NP_078928.3, residues 76-96): EACDQCASQL[Glu86Gly]KGQLLSIPAA